The following is an entry in ClinVar:

NM_001042492.3(NF1):c.2870del (p.Asn957fs)

Gene: NF1 (neurofibromin 1; plus strand). Cytogenetic location: 17q11.2.
Variant type: Deletion.
Coding change: c.2870del on transcript NM_001042492.3 (MANE Select); coding-DNA position 2870, one base deleted (A; older notation c.2870delA).
Protein change: p.Asn957fs; shifts the reading frame from asparagine 957.
Molecular consequence: frameshift variant.
Genome position (GRCh38, 1-based): chr17:31,229,854, A deleted; the last of 2 consecutive A bases (chr17:31,229,853-31,229,854); deleting either gives the same sequence. VCF-style (leftmost placement, unchanged base first): chr17-31229852-CA-C. GRCh37 (hg19) VCF-style: chr17-29556870-CA-C.
Other names: c.2870delA, p.Asn957Ilefs (NM_000267.4); c.2870delA (NM_000267.3); short protein forms N957fs.
Identifiers: ClinVar variation 527526 (VCV000527526.10), dbSNP rs1555614423, ClinGen allele CA658798756.

ClinVar aggregate classification (germline): Pathogenic. Review status: criteria provided, multiple submitters, no conflicts (2 of 4 stars). 2 submissions from 2 submitters: Pathogenic (2). Last evaluated 2022-06-01.

Conditions:
Cardiovascular phenotype. Identifiers: MedGen CN230736.
Hereditary cancer-predisposing syndrome. Also called: Neoplastic Syndromes, Hereditary; Tumor predisposition; Hereditary neoplastic syndrome; Hereditary Cancer Syndrome. Identifiers: Orphanet 140162, MedGen C0027672, MeSH D009386, MONDO:0015356.
Neurofibromatosis, type 1 (NF1). Also called: VON RECKLINGHAUSEN DISEASE; NEUROFIBROMATOSIS, TYPE I, SOMATIC; Peripheral type neurofibromatosis; Neurofibromatosis, type I. Identifiers: Orphanet 636, MedGen C0027831, MONDO:0018975, OMIM 162200. Disease mechanism: loss of function.

Submissions (2):

Ambry Genetics
Classification: Pathogenic for Cardiovascular phenotype; Hereditary cancer-predisposing syndrome. Last evaluated: 2022-06-01. Review status: criteria provided, single submitter. Criteria: Ambry Variant Classification Scheme 2023. Collection method: clinical testing. Allele origin: germline.
Comment: The c.2870delA pathogenic mutation, located in coding exon 22 of the NF1 gene, results from a deletion of one nucleotide at nucleotide position 2870, causing a translational frameshift with a predicted alternate stop codon (p.N957Ifs*5). This mutation has been reported in individuals clinically diagnosed with Neurofibromatosis type 1 (NF1) (Laycock-van Spyk S et al. Hum Genomics, 2011 Oct;5:623-90; Ponti G et al. Anticancer Res, 2014 Jun;34:3021-30). In addition to the clinical data presented in the literature, this alteration is expected to result in loss of function by premature protein truncation or nonsense-mediated mRNA decay. As such, this alteration is interpreted as a disease-causing mutation.

Labcorp Genetics (formerly Invitae), Labcorp
Classification: Pathogenic for Neurofibromatosis, type 1. Last evaluated: 2019-11-27. Review status: criteria provided, single submitter. Criteria: Invitae Variant Classification Sherloc (09022015). Collection method: clinical testing. Allele origin: germline.
Comment: This variant is not present in population databases (ExAC no frequency). For these reasons, this variant has been classified as Pathogenic. Loss-of-function variants in NF1 are known to be pathogenic (PMID: 10712197, 23913538). This variant has been observed in several individuals affected with neurofibromatosis type 1 (PMID: 24922668, Invitae). ClinVar contains an entry for this variant (Variation ID: 527526). This sequence change creates a premature translational stop signal (p.Asn957Ilefs*5) in the NF1 gene. It is expected to result in an absent or disrupted protein product.

Literature cited by the submitters: PubMed 10712197 (cited by Labcorp Genetics (formerly Invitae), Labcorp); PubMed 23913538 (cited by Labcorp Genetics (formerly Invitae), Labcorp); PubMed 24922668 (cited by Labcorp Genetics (formerly Invitae), Labcorp).